The following is an entry in ClinVar:

NM_000836.4(GRIN2D):c.3967C>T (p.Arg1323Cys)

Gene: GRIN2D (glutamate ionotropic receptor NMDA type subunit 2D; plus strand). Cytogenetic location: 19q13.33.
Variant type: single nucleotide variant.
Coding change: c.3967C>T on transcript NM_000836.4 (MANE Select); coding-DNA position 3967, C replaced by T.
Protein change: p.Arg1323Cys; replaces arginine 1323 with cysteine.
Molecular consequence: missense variant.
Genome position (GRCh38, 1-based): chr19:48,443,893, C>T. VCF-style: chr19-48443893-C-T. GRCh37 (hg19) VCF-style: chr19-48947150-C-T.
Other names: short protein forms R1323C.
Identifiers: ClinVar variation 1990853 (VCV001990853.4), dbSNP rs1052763336, ClinGen allele CA406679239.

ClinVar aggregate classification (germline): Uncertain significance (1 of 4 stars; one submission).

gnomAD v4.1: 1 of 1,463,566 alleles (0.000068%); highest among the groups gnomAD compares: Non-Finnish European, 0.00009%; no homozygotes.

Submission:

Labcorp Genetics (formerly Invitae), Labcorp
Classification: Uncertain significance. Last evaluated: 2024-08-13. Review status: criteria provided, single submitter. Criteria: Invitae Variant Classification Sherloc (09022015). Collection method: clinical testing. Allele origin: germline.
Comment: This sequence change replaces arginine, which is basic and polar, with cysteine, which is neutral and slightly polar, at codon 1323 of the GRIN2D protein (p.Arg1323Cys). This variant is not present in population databases (gnomAD no frequency). This variant has not been reported in the literature in individuals affected with GRIN2D-related conditions. ClinVar contains an entry for this variant (Variation ID: 1990853). Advanced modeling of protein sequence and biophysical properties (such as structural, functional, and spatial information, amino acid conservation, physicochemical variation, residue mobility, and thermodynamic stability) performed at Invitae indicates that this missense variant is not expected to disrupt GRIN2D protein function with a negative predictive value of 95%. In summary, the available evidence is currently insufficient to determine the role of this variant in disease. Therefore, it has been classified as a Variant of Uncertain Significance.